The following is an entry in ClinVar:

NM_000077.5(CDKN2A):c.193C>T (p.Leu65Phe)

Gene: CDKN2A (cyclin dependent kinase inhibitor 2A; minus strand). Cytogenetic location: 9p21.3.
Variant type: single nucleotide variant.
Coding change: c.193C>T on transcript NM_000077.5; coding-DNA position 193, C replaced by T.
Protein change: p.Leu65Phe; replaces leucine 65 with phenylalanine.
Molecular consequence: missense variant (on NM_000077.6). On other transcripts: 3 prime UTR variant (1).
Genome position (GRCh38, 1-based): chr9:21,971,166, G>A on the plus strand (C>T on the coding strand, the complement: CDKN2A is on the minus strand). VCF-style: chr9-21971166-G-A. GRCh37 (hg19) VCF-style: chr9-21971165-G-A.
Other names: c.193C>T, p.Leu65Phe (NM_000077.6, NM_001195132.2); c.40C>T, p.Leu14Phe (NM_001363763.2); c.236C>T, p.Ala79Val (NM_058195.4); c.*116C>T (NM_058197.5); short protein forms A79V, L14F, L65F.
Identifiers: ClinVar variation 966551 (VCV000966551.9), dbSNP rs1819721047, ClinGen allele CA373086359.
Genomic context (GRCh38, chr9:21,971,166, plus strand): 5'-CGTCGTGCACGGGTCGGGTGAGAGTGGCGGGGTCGGCGCAGTTGGGCTCCGCGCCGTGGA[G>A]CAGCAGCAGCTCCGCCACTCGGGCGCTGCCCATCATCATGACCTGCCAGAGAGAACAGAA-3'
Protein context (NP_000068.1, residues 55-75): GSARVAELLL[Leu65Phe]HGAEPNCADP

ClinVar aggregate classification (germline): Uncertain significance (1 of 4 stars; one submission).

Conditions:
Familial melanoma. Also called: Hereditary melanoma; Hereditary cutaneous melanoma. Identifiers: Orphanet 618, MedGen C1512419, MONDO:0018961.

Submission:

Labcorp Genetics (formerly Invitae), Labcorp
Classification: Uncertain significance for Familial melanoma. Last evaluated: 2019-11-26. Review status: criteria provided, single submitter. Criteria: Invitae Variant Classification Sherloc (09022015). Collection method: clinical testing. Allele origin: germline.
Comment: In summary, the available evidence is currently insufficient to determine the role of this variant in disease. Therefore, it has been classified as a Variant of Uncertain Significance. The CDKN2A gene encodes two different proteins, p16INK4a and p14ARF, which are translated from alternative transcripts that have different open reading frames. Algorithms developed to predict the effect of missense changes on protein structure and function (SIFT, PolyPhen-2, Align-GVGD) all suggest that p.Leu65Phe in p16INK4a is likely to be tolerated. These same algorithms do not agree on the potential impact of p.Ala79Val in p14ARF (SIFT: "Tolerated"' PolyPhen-2: "Possibly damaging"; Align-GVGD: "Class C0"). These predictions have not been confirmed by published functional studies and their clinical significance is uncertain. This variant has not been reported in the literature in individuals with CDKN2A-related conditions. This variant is not present in population databases (ExAC no frequency). This sequence change replaces leucine with phenylalanine at codon 65 of the p16INK4a protein (p.Leu65Phe). The leucine residue is moderately conserved and there is a small physicochemical difference between leucine and phenylalanine. Alternatively, this sequence change replaces alanine with valine at codon 79 of the p14ARF (p.Ala79Val). The alanine residue is moderately conserved and there is a small physicochemical difference between alanine and valine.